The following is an entry in ClinVar:

ClinVar aggregate classification (germline): Uncertain significance (0 of 4 stars; one submission).

Conditions:
EEF2-related disorder. Also called: EEF2-related condition.

Submission:

PreventionGenetics, part of Exact Sciences
Classification: Uncertain significance for EEF2-related condition. Last evaluated: 2024-06-06. Review status: no assertion criteria provided. Collection method: clinical testing. Allele origin: germline.
Comment: The EEF2 c.1801C>T variant is predicted to result in the amino acid substitution p.Arg601Trp. To our knowledge, this variant has not been reported in the literature or in gnomAD, indicating this variant is rare. At this time, the clinical significance of this variant is uncertain due to the absence of conclusive functional and genetic evidence.

NM_001961.4(EEF2):c.1801C>T (p.Arg601Trp)

Gene: EEF2 (eukaryotic translation elongation factor 2; minus strand). Cytogenetic location: 19p13.3.
Variant type: single nucleotide variant.
Coding change: c.1801C>T on transcript NM_001961.4 (MANE Select); coding-DNA position 1801, C replaced by T.
Protein change: p.Arg601Trp; replaces arginine 601 with tryptophan.
Molecular consequence: missense variant.
Genome position (GRCh38, 1-based): chr19:3,978,085, G>A on the plus strand (C>T on the coding strand, the complement: EEF2 is on the minus strand). VCF-style: chr19-3978085-G-A. GRCh37 (hg19) VCF-style: chr19-3978083-G-A.
Other names: short protein forms R601W.
Identifiers: ClinVar variation 3345427 (VCV003345427.1).